The following is an entry in ClinVar:

ClinVar aggregate classification (germline): Uncertain significance (1 of 4 stars; one submission).

Conditions:
Cardiovascular phenotype. Identifiers: MedGen CN230736.

gnomAD v4.1: 2 of 1,611,648 alleles (0.00012%); highest among the groups gnomAD compares: Non-Finnish European, 0.00017%; no homozygotes.

Submission:

Ambry Genetics
Classification: Uncertain significance for Cardiovascular phenotype. Last evaluated: 2026-04-15. Review status: criteria provided, single submitter. Criteria: Ambry Variant Classification Scheme 2023. Collection method: clinical testing. Allele origin: germline.
Comment: The c.-1C>T variant is located in the 5' untranslated region (5&rsquo; UTR) of the TBX5 gene. This variant results from a C to T substitution 1 nucleotide upstream from the first translated codon. This nucleotide position is not well conserved in available vertebrate species. Based on the available evidence, the clinical significance of this variant remains unclear.

NM_181486.4(TBX5):c.-1C>T

Gene: TBX5 (T-box transcription factor 5; minus strand). Cytogenetic location: 12q24.21.
Variant type: single nucleotide variant.
Coding change: c.-1C>T on transcript NM_181486.4 (MANE Select); 1 bases upstream of the start codon, C replaced by T.
Molecular consequence: 5 prime UTR variant. On other transcripts: intron variant (1).
Genome position (GRCh38, 1-based): chr12:114,403,899, G>A on the plus strand (C>T on the coding strand, the complement: TBX5 is on the minus strand). VCF-style: chr12-114403899-G-A. GRCh37 (hg19) VCF-style: chr12-114841704-G-A.
Other names: c.-1C>T (NM_000192.3); c.-3-1979C>T (NM_080717.4).
Identifiers: ClinVar variation 4865356 (VCV004865356.1).